The following is an entry in ClinVar:

NM_001351132.2(PEX5):c.709C>T (p.Arg237Ter)

Gene: PEX5 (peroxisomal biogenesis factor 5; plus strand). Cytogenetic location: 12p13.31.
Variant type: single nucleotide variant.
Coding change: c.709C>T on transcript NM_001351132.2 (MANE Select); coding-DNA position 709, C replaced by T.
Protein change: p.Arg237Ter; replaces arginine 237 with a stop codon.
Molecular consequence: nonsense. On other transcripts: intron variant (15).
Genome position (GRCh38, 1-based): chr12:7,202,307, C>T. VCF-style: chr12-7202307-C-T. GRCh37 (hg19) VCF-style: chr12-7354903-C-T.
Other names: c.709C>T, p.Arg237Ter (NM_000319.5, NM_001131025.2, NM_001131026.2 and 6 more transcripts); c.754C>T, p.Arg252Ter (NM_001131023.2); c.643-305C>T (NM_001351124.3, NM_001351126.2, NM_001374646.1 and 10 more transcripts); c.688-305C>T (NM_001351135.3, NM_001351138.2); short protein forms R237*, R252*.
Identifiers: ClinVar variation 943437 (VCV000943437.9), dbSNP rs777733574, ClinGen allele CA6426245.

ClinVar aggregate classification (germline): Pathogenic/Likely pathogenic. Review status: criteria provided, multiple submitters, no conflicts (2 of 4 stars). 3 submissions from 3 submitters: Pathogenic (1); Likely pathogenic (1). 1 of the submissions does not count toward it. Last evaluated 2025-09-30.

Conditions:
Peroxisome biogenesis disorder 2B (PBD2B). Identifiers: Orphanet 44, MedGen C3550234, MONDO:0008736, OMIM 202370.
PEX5-related disorder. Also called: PEX5-related condition; PEX5-Related Disorders.

Allele frequency attached by ClinVar (database versions not stated): ExAC 0.00001; gnomAD 0.00001; gnomAD exomes 0.00001 and 0.00002; TOPMed 0.00002.
gnomAD v4.1: 22 of 1,613,942 alleles (0.0014%); highest among the groups gnomAD compares: East Asian, 0.0022%; no homozygotes.

Submissions (3):

Labcorp Genetics (formerly Invitae), Labcorp
Classification: Pathogenic for Peroxisome biogenesis disorder 2B. Last evaluated: 2025-09-30. Review status: criteria provided, single submitter. Criteria: Invitae Variant Classification Sherloc (09022015). Collection method: clinical testing. Allele origin: germline.
Comment: This sequence change creates a premature translational stop signal (p.Arg237*) in the PEX5 gene. It is expected to result in an absent or disrupted protein product. Loss-of-function variants in PEX5 are known to be pathogenic (PMID: 18712838, 21031596). This variant is present in population databases (rs777733574, gnomAD 0.003%). This premature translational stop signal has been observed in individual(s) with neurodevelopmental disorder (PMID: 33057194). ClinVar contains an entry for this variant (Variation ID: 943437). Algorithms developed to predict the effect of sequence changes on RNA splicing suggest that this variant may disrupt the consensus splice site. For these reasons, this variant has been classified as Pathogenic.

Blueprint Genetics
Classification: Likely pathogenic for PEX5-related disorders. Last evaluated: 2022-03-18. Review status: criteria provided, single submitter. Criteria: ACMG Guidelines, 2015. Collection method: clinical testing. Allele origin: germline. Affected: yes. Observed: 4 variant alleles.

PreventionGenetics, part of Exact Sciences
Classification: Pathogenic for PEX5-related condition. Last evaluated: 2024-07-24. Review status: no assertion criteria provided. Collection method: clinical testing. Allele origin: germline. Not counted in ClinVar's aggregate classification.
Comment: The PEX5 c.709C>T variant is predicted to result in premature protein termination (p.Arg237*). This variant has been observed, along with other variants in different genes, in an individual from large cohorts tested for association with autism or developmental disorders (reported with patient ID 1380 or GDX_1380 in Table S1, Kaplanis et al. 2020. PubMed ID: 33057194 and Table S3, Zhou et al. 2022. PubMed ID: 35982159). This variant is reported in 0.0035% of alleles in individuals of European (Non-Finnish) descent in gnomAD. Nonsense variants in PEX5 are expected to be pathogenic. This variant is interpreted as pathogenic for autosomal recessive PEX5-associated disorder(s).

Literature cited by the submitters: PubMed 18712838 (cited by Labcorp Genetics (formerly Invitae), Labcorp); PubMed 21031596 (cited by Labcorp Genetics (formerly Invitae), Labcorp); PubMed 33057194 (cited by Labcorp Genetics (formerly Invitae), Labcorp).